The following is an entry in ClinVar:

ClinVar aggregate classification (germline): Likely benign (0 of 4 stars; one submission).

Conditions:
COL5A1-related disorder. Also called: COL5A1-related condition.

Allele frequency attached by ClinVar (database versions not stated): gnomAD exomes 0.00001; TOPMed 0.00002; ExAC 0.00007.
gnomAD v4.1: 8 of 1,611,612 alleles (0.0005%); highest among the groups gnomAD compares: East Asian, 0.016%; no homozygotes.

Submission:

PreventionGenetics, part of Exact Sciences
Classification: Likely benign for COL5A1-related condition. Last evaluated: 2021-03-08. Review status: no assertion criteria provided. Collection method: clinical testing. Allele origin: germline.
Comment: This variant is classified as likely benign based on ACMG/AMP sequence variant interpretation guidelines (Richards et al. 2015 PMID: 25741868, with internal and published modifications).

NM_000093.5(COL5A1):c.2647-22T>C

Gene: COL5A1 (collagen type V alpha 1 chain; plus strand). Cytogenetic location: 9q34.3.
Variant type: single nucleotide variant.
Coding change: c.2647-22T>C on transcript NM_000093.5 (MANE Select); 22 bases into the intron before coding-DNA position 2647, T replaced by C.
Molecular consequence: intron variant.
Genome position (GRCh38, 1-based): chr9:134,789,133, T>C. VCF-style: chr9-134789133-T-C. GRCh37 (hg19) VCF-style: chr9-137680979-T-C.
Other names: c.2647-22T>C (NM_001278074.1).
Identifiers: ClinVar variation 3030677 (VCV003030677.2), dbSNP rs778528414, ClinGen allele CA5319509.
Genomic context (GRCh38, chr9:134,789,133, plus strand): 5'-GCAGGTGGTCCCCCAGGCGGCCCATGCAGCATGACTCATTCCTGGCCCAGCTCTGATGCC[T>C]CCTCCTTAAACTCTCTTTCAGGGCTCTATTGGATTCCCTGGATTTCCTGGCGCCAATGGA-3'